The following is an entry in ClinVar:

ClinVar aggregate classification (germline): Uncertain significance. Review status: criteria provided, multiple submitters, no conflicts (2 of 4 stars). 2 submissions from 2 submitters: Uncertain significance (2). Last evaluated 2024-03-22.

Conditions:
Hereditary cancer-predisposing syndrome. Also called: Neoplastic Syndromes, Hereditary; Hereditary Cancer Syndrome; Tumor predisposition; Hereditary neoplastic syndrome. Identifiers: Orphanet 140162, MedGen C0027672, MeSH D009386, MONDO:0015356.
Familial meningioma. Also called: Meningioma, familial, susceptibility to. Identifiers: Orphanet 263662, MedGen C3551915, MONDO:0011789, OMIM 607174.

gnomAD v4.1: 1 of 1,613,774 alleles (0.000062%); no homozygotes.

Submissions (2):

Ambry Genetics
Classification: Uncertain significance for Hereditary cancer-predisposing syndrome. Last evaluated: 2024-03-22. Review status: criteria provided, single submitter. Criteria: Ambry Variant Classification Scheme 2023. Collection method: clinical testing. Allele origin: germline.
Comment: The p.A292V variant (also known as c.875C>T), located in coding exon 9 of the SMARCE1 gene, results from a C to T substitution at nucleotide position 875. The alanine at codon 292 is replaced by valine, an amino acid with similar properties. This amino acid position is highly conserved in available vertebrate species. In addition, the in silico prediction for this alteration is inconclusive. Based on the available evidence, the clinical significance of this alteration remains unclear.

Labcorp Genetics (formerly Invitae), Labcorp
Classification: Uncertain significance for Familial meningioma. Last evaluated: 2023-01-10. Review status: criteria provided, single submitter. Criteria: Invitae Variant Classification Sherloc (09022015). Collection method: clinical testing. Allele origin: germline.
Comment: In summary, the available evidence is currently insufficient to determine the role of this variant in disease. Therefore, it has been classified as a Variant of Uncertain Significance. Advanced modeling of protein sequence and biophysical properties (such as structural, functional, and spatial information, amino acid conservation, physicochemical variation, residue mobility, and thermodynamic stability) performed at Invitae indicates that this missense variant is not expected to disrupt SMARCE1 protein function. This variant has not been reported in the literature in individuals affected with SMARCE1-related conditions. This variant is not present in population databases (gnomAD no frequency). This sequence change replaces alanine, which is neutral and non-polar, with valine, which is neutral and non-polar, at codon 292 of the SMARCE1 protein (p.Ala292Val).

NM_003079.5(SMARCE1):c.875C>T (p.Ala292Val)

Gene: SMARCE1 (SWI/SNF related BAF chromatin remodeling complex subunit E1; minus strand). Cytogenetic location: 17q21.2.
Variant type: single nucleotide variant.
Coding change: c.875C>T on transcript NM_003079.5 (MANE Select); coding-DNA position 875, C replaced by T.
Protein change: p.Ala292Val; replaces alanine 292 with valine.
Molecular consequence: missense variant.
Genome position (GRCh38, 1-based): chr17:40,630,866, G>A on the plus strand (C>T on the coding strand, the complement: SMARCE1 is on the minus strand). VCF-style: chr17-40630866-G-A. GRCh37 (hg19) VCF-style: chr17-38787118-G-A.
Other names: short protein forms A292V.
Identifiers: ClinVar variation 2920446 (VCV002920446.4), dbSNP rs2508596107, ClinGen allele CA399363812.
Genomic context (GRCh38, chr17:40,630,866, plus strand): 5'-TCAGCTTGCTCTGCGGCCTCCTTCTCCCTTTCCTCCTGCCTTTTGCGGGCCTGTTCCTCT[G>A]CCTGTGCAATCTCAGCTGCAATTTTCTCCATATCCACTTCTACTTTCAGACCGCACAACT-3'
Protein context (NP_003070.3, residues 282-302): MEKIAAEIAQ[Ala292Val]EEQARKRQEE